The following is an entry in ClinVar:

NM_000122.2(ERCC3):c.1358G>A (p.Arg453Lys)

Gene: ERCC3 (ERCC excision repair 3, TFIIH core complex helicase subunit; minus strand). Cytogenetic location: 2q14.3.
Variant type: single nucleotide variant.
Coding change: c.1358G>A on transcript NM_000122.2 (MANE Select); coding-DNA position 1358, G replaced by A.
Protein change: p.Arg453Lys; replaces arginine 453 with lysine.
Molecular consequence: missense variant.
Genome position (GRCh38, 1-based): chr2:127,280,616, C>T on the plus strand (G>A on the coding strand, the complement: ERCC3 is on the minus strand). VCF-style: chr2-127280616-C-T. GRCh37 (hg19) VCF-style: chr2-128038192-C-T.
Other names: c.1166G>A, p.Arg389Lys (NM_001303416.2, NM_001303418.2); c.1358G>A (NM_000122.1); short protein forms R389K, R453K.
Identifiers: ClinVar variation 1367464 (VCV001367464.8), dbSNP rs748473025, ClinGen allele CA1858280.

ClinVar aggregate classification (germline): Uncertain significance. Review status: criteria provided, multiple submitters, no conflicts (2 of 4 stars). 2 submissions from 2 submitters: Uncertain significance (2). Last evaluated 2025-08-22.

Conditions:
Inborn genetic diseases. Identifiers: MedGen C0950123, MeSH D030342.

Allele frequency attached by ClinVar (database versions not stated): ExAC 0.00001; gnomAD 0.00001; gnomAD exomes 0.00001; TOPMed 0.00002.
gnomAD v4.1: 6 of 1,614,030 alleles (0.00037%); highest among the groups gnomAD compares: Admixed American, 0.005%; no homozygotes.

Submissions (2):

Ambry Genetics
Classification: Uncertain significance for Inborn genetic diseases. Last evaluated: 2025-08-22. Review status: criteria provided, single submitter. Criteria: Ambry Variant Classification Scheme 2023. Collection method: clinical testing. Allele origin: germline.

Labcorp Genetics (formerly Invitae), Labcorp
Classification: Uncertain significance. Last evaluated: 2021-01-28. Review status: criteria provided, single submitter. Criteria: Invitae Variant Classification Sherloc (09022015). Collection method: clinical testing. Allele origin: germline.
Comment: This sequence change replaces arginine with lysine at codon 453 of the ERCC3 protein (p.Arg453Lys). The arginine residue is highly conserved and there is a small physicochemical difference between arginine and lysine. This variant is present in population databases (rs748473025, ExAC 0.009%). This variant has not been reported in the literature in individuals with ERCC3-related conditions. Algorithms developed to predict the effect of missense changes on protein structure and function are either unavailable or do not agree on the potential impact of this missense change (SIFT: "Deleterious"; PolyPhen-2: "Benign"; Align-GVGD: "Class C25"). In summary, the available evidence is currently insufficient to determine the role of this variant in disease. Therefore, it has been classified as a Variant of Uncertain Significance.